The following is an entry in ClinVar:

ClinVar aggregate classification (germline): Uncertain significance (1 of 4 stars; one submission).

Conditions:
Alstrom syndrome (ALMS). Identifiers: Orphanet 64, MedGen C0268425, MONDO:0008763, OMIM 203800.

gnomAD v4.1: 2 of 1,614,080 alleles (0.00012%); highest among the groups gnomAD compares: Non-Finnish European, 0.00017%; no homozygotes.

Submission:

Victorian Clinical Genetics Services, Murdoch Childrens Research Institute
Classification: Uncertain significance for Alstrom syndrome. Last evaluated: 2021-05-06. Review status: criteria provided, single submitter. Criteria: ACMG Guidelines, 2015. Collection method: clinical testing. Allele origin: germline. Inheritance: Autosomal recessive inheritance. Affected: yes.
Comment: Based on the classification scheme VCGS_Germline_v1.3.4, this variant is classified as VUS-3B. Following criteria are met: 0102 - Loss of function is a known mechanism of disease in this gene and is associated with Alstrom syndrome (MIM# 203800). (I) 0106 - This gene is associated with autosomal recessive disease. (I) 0200 - Variant is predicted to result in a missense amino acid change from proline to arginine. (I) 0251 - This variant is heterozygous. (I) 0301 - Variant is absent from gnomAD (both v2 and v3). (SP) 0309 - An alternative amino acid change at the same position has been observed in gnomAD (v2) (1 heterozygote, 0 homozygotes). (I) 0502 - Missense variant with conflicting in silico predictions and uninformative conservation. (I) 0604 - Variant is not located in an established domain, motif, hotspot or informative constraint region. (I) 0705 - No comparable missense variants have previous evidence for pathogenicity. (I) 0807 - This variant has no previous evidence of pathogenicity. (I) 0905 - No published segregation evidence has been identified for this variant. (I) 1007 - No published functional evidence has been identified for this variant. (I) 1208 - Inheritance information for this variant is not currently available in this individual. (I) Legend: (SP) - Supporting pathogenic, (I) - Information, (SB) - Supporting benign

NM_001378454.1(ALMS1):c.8471C>G (p.Pro2824Arg)

Gene: ALMS1 (ALMS1 centrosome and basal body associated protein; plus strand). Cytogenetic location: 2p13.1.
Variant type: single nucleotide variant.
Coding change: c.8471C>G on transcript NM_001378454.1 (MANE Select); coding-DNA position 8471, C replaced by G.
Protein change: p.Pro2824Arg; replaces proline 2824 with arginine.
Molecular consequence: missense variant.
Genome position (GRCh38, 1-based): chr2:73,490,430, C>G. VCF-style: chr2-73490430-C-G. GRCh37 (hg19) VCF-style: chr2-73717557-C-G.
Other names: c.8474C>G, p.Pro2825Arg (NM_015120.4); short protein forms P2824R, P2825R.
Identifiers: ClinVar variation 1805021 (VCV001805021.1), dbSNP rs759511181, ClinGen allele CA347269031.